The following is an entry in ClinVar:

NM_004937.3(CTNS):c.936_945del (p.Ser312fs)

Gene: CTNS (cystinosin, lysosomal cystine transporter; plus strand). Cytogenetic location: 17p13.2.
Variant type: Deletion.
Coding change: c.936_945del on transcript NM_004937.3 (MANE Select); coding-DNA positions 936 to 945, 10 bases deleted (CCTCCTGCAG; older notation c.936_945delCCTCCTGCAG).
Protein change: p.Ser312fs; shifts the reading frame from serine 312.
Molecular consequence: frameshift variant.
Genome position (GRCh38, 1-based): chr17:3,659,941-3,659,950, CCTCCTGCAG deleted; deleting any 10 consecutive bases within chr17:3,659,938-3,659,950 gives the same sequence; the c. name uses the placement nearest the transcript's 3' end. VCF-style (leftmost placement, unchanged base first): chr17-3659937-TCAGCCTCCTG-T. GRCh37 (hg19) VCF-style: chr17-3563231-TCAGCCTCCTG-T.
Other names: c.936_945del, p.Ser312fs (NM_001031681.3, NM_001374492.1); c.495_504del, p.Ser165fs (NM_001374493.1, NM_001374494.1, NM_001374495.1 and 1 more transcripts); short protein forms S312fs, S165fs.
Identifiers: ClinVar variation 2091086 (VCV002091086.4), dbSNP rs2507789960, ClinGen allele CA2580093570.

ClinVar aggregate classification (germline): Pathogenic (1 of 4 stars; one submission).

Conditions:
Inborn genetic diseases. Identifiers: MedGen C0950123, MeSH D030342.
Ocular cystinosis. Also called: Non-Nephropathic Cystinosis; Non-Nephropathic (Ocular) Cystinosis. Identifiers: Orphanet 213, Orphanet 411641, MedGen C2931013, MONDO:0009064, OMIM 219750.
Juvenile nephropathic cystinosis. Also called: Intermediate Cystinosis; CYSTINOSIS, LATE-ONSET JUVENILE OR ADOLESCENT NEPHROPATHIC TYPE; Later-Onset (Juvenile) Cystinosis. Identifiers: Orphanet 213, Orphanet 411634, MedGen C0268626, MONDO:0009066, OMIM 219900.

Submission:

Labcorp Genetics (formerly Invitae), Labcorp
Classification: Pathogenic for Inborn genetic diseases; Ocular cystinosis; Juvenile nephropathic cystinosis. Last evaluated: 2022-01-29. Review status: criteria provided, single submitter. Criteria: Invitae Variant Classification Sherloc (09022015). Collection method: clinical testing. Allele origin: germline.
Comment: For these reasons, this variant has been classified as Pathogenic. This variant disrupts a region of the CTNS protein in which other variant(s) (p.Gly339Arg) have been determined to be pathogenic (PMID: 11565547, 12204010, 12825071, 21786142, 23640116). This suggests that this is a clinically significant region of the protein, and that variants that disrupt it are likely to be disease-causing. This variant has not been reported in the literature in individuals affected with CTNS-related conditions. This variant is not present in population databases (gnomAD no frequency). This sequence change creates a premature translational stop signal (p.Ser312Argfs*14) in the CTNS gene. While this is not anticipated to result in nonsense mediated decay, it is expected to disrupt the last 56 amino acid(s) of the CTNS protein.

Literature cited by the submitters: PubMed 11565547; PubMed 12204010; PubMed 12825071; PubMed 21786142; PubMed 23640116.